The following is an entry in ClinVar:

ClinVar aggregate classification (germline): Uncertain significance (1 of 4 stars; one submission).

Conditions:
Aicardi-Goutieres syndrome 2. Identifiers: Orphanet 51, MedGen C3489724, MONDO:0012429, OMIM 610181.

gnomAD v4.1: 6 of 1,461,798 alleles (0.00041%); highest among the groups gnomAD compares: Middle Eastern, 0.023%; no homozygotes.

Submission:

Labcorp Genetics (formerly Invitae), Labcorp
Classification: Uncertain significance for Aicardi-Goutieres syndrome 2. Last evaluated: 2025-10-22. Review status: criteria provided, single submitter. Criteria: Invitae Variant Classification Sherloc (09022015). Collection method: clinical testing. Allele origin: germline.
Comment: This sequence change replaces glycine, which is neutral and non-polar, with tryptophan, which is neutral and slightly polar, at codon 10 of the RNASEH2B protein (p.Gly10Trp). This variant is not present in population databases (gnomAD no frequency). This variant has not been reported in the literature in individuals affected with RNASEH2B-related conditions. ClinVar contains an entry for this variant (Variation ID: 3614209). Invitae Evidence Modeling of protein sequence and biophysical properties (such as structural, functional, and spatial information, amino acid conservation, physicochemical variation, residue mobility, and thermodynamic stability) has been performed for this missense variant. However, the output from this modeling did not meet the statistical confidence thresholds required to predict the impact of this variant on RNASEH2B protein function. In summary, the available evidence is currently insufficient to determine the role of this variant in disease. Therefore, it has been classified as a Variant of Uncertain Significance.

NM_024570.4(RNASEH2B):c.28G>T (p.Gly10Trp)

Genes: RNASEH2B (ribonuclease H2 subunit B; plus strand), RNASEH2B-AS1 (RNASEH2B antisense RNA 1; minus strand), LOC130009810 (ATAC-STARR-seq lymphoblastoid silent region 5362; plus strand). Cytogenetic location: 13q14.3.
Variant type: single nucleotide variant.
Coding change: c.28G>T on transcript NM_024570.4 (MANE Select); coding-DNA position 28, G replaced by T.
Protein change: p.Gly10Trp; replaces glycine 10 with tryptophan.
Molecular consequence: missense variant.
Genome position (GRCh38, 1-based): chr13:50,910,104, G>T. VCF-style: chr13-50910104-G-T. GRCh37 (hg19) VCF-style: chr13-51484240-G-T.
Other names: c.28G>T, p.Gly10Trp (NM_001142279.2, NM_001411023.1); short protein forms G10W.
Identifiers: ClinVar variation 3614209 (VCV003614209.2).